The following is an entry in ClinVar:

ClinVar aggregate classification (germline): Conflicting classifications of pathogenicity. Review status: criteria provided, conflicting classifications (1 of 4 stars). 2 submissions from 2 submitters: Uncertain significance (1); Likely benign (1). Last evaluated 2025-10-20.

Allele frequency attached by ClinVar (database versions not stated): TOPMed below 0.00001.

Submissions (2):

Quest Diagnostics Nichols Institute San Juan Capistrano
Classification: Uncertain significance. Last evaluated: 2025-10-20. Review status: criteria provided, single submitter. Criteria: Quest Diagnostics criteria. Collection method: clinical testing. Allele origin: unknown.
Comment: The HBA1 c.47G>A (p.Gly16Asp) variant has been reported in the published literature in clinically and hematologically normal carriers or with traits as a result of carrying another pathogenic variant in the beta-globin gene (PMIDs: 10024 (1976), 2666359 (1989), 7803274 (1994), HbVar). This variant has also been detected in cohort of individuals tested for characterization of hemoglobinopathy (PMID: 39858575 (2024)). Functional studies have shown the variant to be stable with normal oxygen affinity (HbVar and PMID: 10024 (1976)). The frequency of this variant in the general population (Genome Aggregation Database) is uninformative in the assessment of its pathogenicity. Analysis of this variant using bioinformatics tools for the prediction of the effect of amino acid changes on protein structure and function yielded conflicting predictions that this variant is deleterious or benign. Based on the available information, we are unable to determine the clinical significance of this variant.

ARUP Laboratories, Molecular Genetics and Genomics, ARUP Laboratories
Classification: Likely benign. Last evaluated: 2025-05-20. Review status: criteria provided, single submitter. Criteria: ARUP Molecular Germline Variant Investigation Process 2024. Collection method: clinical testing. Allele origin: germline.
Comment: The Hb I-Interlaken variant (HBA1: c.47G>A; p.Gly16Asp, also known as Hb J-Oxford, Hb N-Cosenza, or as Gly15Asp when numbered from the mature protein; rs281865560, HbVar ID: 17, ClinVar variation ID: 618155) has been described as a stable hemoglobin variant with normal oxygen affinity that did not ameliorate the phenotype of an individual with beta thalassemia major (Guida 2006, Kimura 2015, Molchanova 1994, Schiliro 1976, see HbVar link). The Hb I-Interlaken variant is found on a single chromosome (1/196618 alleles) in the Genome Aggregation Database (v2.1.1). Computational analyses are uncertain whether this variant is neutral or deleterious (REVEL: 0.526). Based on the available information, this variant is considered to be likely benign. References: Link to HbVar database for Hb I-Interlaken: Guida V et al. Hematologic and molecular characterization of a Sicilian cohort of alpha thalassemia carriers. Haematologica. 2006 Mar;91(3):409-10. PMID: 16503552. Kimura EM et al. Investigating alpha-globin structural variants: a retrospective review of 135,000 Brazilian individuals. Rev Bras Hematol Hemoter. 2015 Mar-Apr;37(2):103-8. PMID: 25818820. Molchanova TP et al. The differences in quantities of alpha 2- and alpha 1-globin gene variants in heterozygotes. Br J Haematol. 1994 Oct;88(2):300-6. PMID: 7803274. Schiliro G et al. A new alkali-resistant hemoglobin alpha2J Oxford gammaF2 in a Sicilian baby girl with homozygous beta0 thalassemia. Blood. 1976 Nov;48(5):639-51. PMID: 10024.

Literature cited by the submitters: PubMed 6469697 (cited by Quest Diagnostics Nichols Institute San Juan Capistrano); PubMed 10024 (cited by Quest Diagnostics Nichols Institute San Juan Capistrano); PubMed 2666359 (cited by Quest Diagnostics Nichols Institute San Juan Capistrano); PubMed 7803274 (cited by Quest Diagnostics Nichols Institute San Juan Capistrano); PubMed 39858575 (cited by Quest Diagnostics Nichols Institute San Juan Capistrano).

NM_000558.5(HBA1):c.47G>A (p.Gly16Asp)

Genes: HBA1 (hemoglobin subunit alpha 1; plus strand), LOC106804613 (hemoglobin subunit alpha 1 recombination region; plus strand). Cytogenetic location: 16p13.3.
Variant type: single nucleotide variant.
Coding change: c.47G>A on transcript NM_000558.5 (MANE Select); coding-DNA position 47, G replaced by A.
Protein change: p.Gly16Asp; replaces glycine 16 with aspartic acid.
Molecular consequence: missense variant.
Genome position (GRCh38, 1-based): chr16:176,763, G>A. VCF-style: chr16-176763-G-A. GRCh37 (hg19) VCF-style: chr16-226762-G-A.
Other names: short protein forms G16D.
Identifiers: ClinVar variation 618155 (VCV000618155.16), dbSNP rs281865560, ClinGen allele CA276416463.
Genomic context (GRCh38, chr16:176,763, plus strand): 5'-AGAGAGAACCCACCATGGTGCTGTCTCCTGCCGACAAGACCAACGTCAAGGCCGCCTGGG[G>A]TAAGGTCGGCGCGCACGCTGGCGAGTATGGTGCGGAGGCCCTGGAGAGGTGAGGCTCCCT-3'
Protein context (NP_000549.1, residues 6-26): ADKTNVKAAW[Gly16Asp]KVGAHAGEYG